The following is an entry in ClinVar:

ClinVar aggregate classification (germline): Uncertain significance (1 of 4 stars; one submission).

Conditions:
Familial thoracic aortic aneurysm and aortic dissection (TAAD). Also called: Thoracic aortic aneurysms and dissections. Identifiers: Orphanet 91387, MedGen C4707243, MONDO:0019625.
Hereditary cancer-predisposing syndrome. Also called: Neoplastic Syndromes, Hereditary; Tumor predisposition; Hereditary Cancer Syndrome; Hereditary neoplastic syndrome. Identifiers: Orphanet 140162, MedGen C0027672, MeSH D009386, MONDO:0015356.

Submission:

Ambry Genetics
Classification: Uncertain significance for Hereditary cancer-predisposing syndrome; Familial thoracic aortic aneurysm and aortic dissection. Last evaluated: 2025-07-17. Review status: criteria provided, single submitter. Criteria: Ambry Variant Classification Scheme 2023. Collection method: clinical testing. Allele origin: germline.
Comment: The p.H291Q variant (also known as c.873C>G), located in coding exon 6 of the SMAD4 gene, results from a C to G substitution at nucleotide position 873. The histidine at codon 291 is replaced by glutamine, an amino acid with highly similar properties. This amino acid position is conserved. In addition, this alteration is predicted to be deleterious by in silico analysis. Based on the available evidence, the clinical significance of this variant remains unclear.

NM_005359.6(SMAD4):c.873C>G (p.His291Gln)

Gene: SMAD4 (SMAD family member 4; plus strand). Cytogenetic location: 18q21.2.
Variant type: single nucleotide variant.
Coding change: c.873C>G on transcript NM_005359.6 (MANE Select); coding-DNA position 873, C replaced by G.
Protein change: p.His291Gln; replaces histidine 291 with glutamine.
Molecular consequence: missense variant. On other transcripts: non-coding transcript variant (2).
Genome position (GRCh38, 1-based): chr18:51,058,425, C>G. VCF-style: chr18-51058425-C-G. GRCh37 (hg19) VCF-style: chr18-48584795-C-G.
Other names: c.873C>G, p.His291Gln (NM_001407041.1, NM_001407042.1, NM_001407043.1); short protein forms H291Q.
Identifiers: ClinVar variation 4170043 (VCV004170043.1).